The following is an entry in ClinVar:

NM_025114.4(CEP290):c.2954del (p.Met985fs)

Gene: CEP290 (centrosomal protein 290; minus strand). Cytogenetic location: 12q21.32.
Variant type: Deletion.
Coding change: c.2954del on transcript NM_025114.4 (MANE Select); coding-DNA position 2954, one base deleted (T; older notation c.2954delT).
Protein change: p.Met985fs; shifts the reading frame from methionine 985.
Molecular consequence: frameshift variant.
Genome position (GRCh38, 1-based): chr12:88,102,875, A deleted on the plus strand (T on the coding strand, the reverse complement: CEP290 is on the minus strand). VCF-style (leftmost placement, unchanged base first): chr12-88102874-CA-C. GRCh37 (hg19) VCF-style: chr12-88496651-CA-C.
Other names: short protein forms M985fs.
Identifiers: ClinVar variation 1711149 (VCV001711149.3), dbSNP rs2500524015, ClinGen allele CA2580086711.
Genomic context (GRCh38, chr12:88,102,874, plus strand): 5'-GGTTCAAGAATCACACAAACTTACCTCCAGGTGTTCCAAGTTACTTGTTCTTTGAACAAG[CA>C]TATTATCTTTTTGCAAGATGTCCCTGTACTTAGCAGTCAGTTCATTGTACTGTTTATTAG-3'

ClinVar aggregate classification (germline): Pathogenic/Likely pathogenic. Review status: criteria provided, multiple submitters, no conflicts (2 of 4 stars). 2 submissions from 2 submitters: Pathogenic (1); Likely pathogenic (1). Last evaluated 2025-07-27.

Conditions:
Joubert syndrome. Also called: JOUBERT-BOLTSHAUSER SYNDROME; Familial aplasia of the vermis. Identifiers: Orphanet 475, MedGen C5979921, MONDO:0018772.
Meckel-Gruber syndrome. Also called: DYSENCEPHALIA SPLANCHNOCYSTICA; GRUBER SYNDROME; Dysencephalia splachnocystica. Identifiers: Orphanet 564, MedGen C0265215, MONDO:0018921.
Nephronophthisis. Also called: Juvenile Nephronophthisis. Identifiers: Orphanet 655, MedGen C0687120, MONDO:0019005, HP:0000090.
Rod-cone dystrophy. Identifiers: MedGen C4551714, HP:0000510.

Submissions (2):

Labcorp Genetics (formerly Invitae), Labcorp
Classification: Pathogenic for Joubert syndrome; Meckel-Gruber syndrome; Nephronophthisis. Last evaluated: 2025-07-27. Review status: criteria provided, single submitter. Criteria: Invitae Variant Classification Sherloc (09022015). Collection method: clinical testing. Allele origin: germline.
Comment: This sequence change creates a premature translational stop signal (p.Met985Serfs*19) in the CEP290 gene. It is expected to result in an absent or disrupted protein product. Loss-of-function variants in CEP290 are known to be pathogenic (PMID: 16909394, 17345604, 20690115). This variant is not present in population databases (gnomAD no frequency). This premature translational stop signal has been observed in individual(s) with clinical features of CEP290-related conditions (PMID: 23661368, 34031707). ClinVar contains an entry for this variant (Variation ID: 1711149). For these reasons, this variant has been classified as Pathogenic.

Center for Human Genetics and Genomic Medicine, Uniklinik Rwth Aachen
Classification: Likely pathogenic for Rod-cone dystrophy. Last evaluated: 2022-09-01. Review status: criteria provided, single submitter. Criteria: ACMG Guidelines, 2015. Collection method: clinical testing. Allele origin: unknown. Inheritance: Autosomal recessive inheritance. Affected: yes. Observed: 1 compound heterozygote.
Comment: The variant results in a reading frame shift leading to a premature stop codon and thus with high probability to loss of function of the corresponding protein. The variant is not listed in control collectives (gnomAD) and has not yet been described in the ClinVar database or in the literature. In case of stop or nonsense variants in a gene that matches the phenotype, in which "loss of function" changes represent a known pathomechanism, there is a high probability of pathogenetic relevance. The variant is currently to be regarded as a "likely pathogenic variant" (ACMG criteria).

Literature cited by the submitters: PubMed 16909394 (cited by Labcorp Genetics (formerly Invitae), Labcorp); PubMed 17345604 (cited by Labcorp Genetics (formerly Invitae), Labcorp); PubMed 20690115 (cited by Labcorp Genetics (formerly Invitae), Labcorp); PubMed 23661368 (cited by Labcorp Genetics (formerly Invitae), Labcorp); PubMed 34031707 (cited by Labcorp Genetics (formerly Invitae), Labcorp).